The following is an entry in ClinVar:

ClinVar aggregate classification (germline): Pathogenic (1 of 4 stars; one submission).

Conditions:
Marfan syndrome (MFS). Also called: MARFAN SYNDROME, TYPE I; FBN1-Related Marfan Syndrome; Marfan syndrome type 1; Marfan's syndrome; Marfan syndrome, classic. Identifiers: Orphanet 284963, Orphanet 558, MedGen C0024796, MONDO:0007947, OMIM 154700.

Submission:

3billion
Classification: Pathogenic for Marfan syndrome. Last evaluated: 2023-02-23. Review status: criteria provided, single submitter. Criteria: ACMG Guidelines, 2015. Collection method: clinical testing. Allele origin: unknown. Affected: yes.
Comment: The variant is not observed in the gnomAD v2.1.1 dataset. This variant was predicted to result in a loss or disruption of normal protein function through nonsense-mediated decay (NMD) or protein truncation. Multiple pathogenic variants are reported downstream of the variant. Therefore, this variant is classified as Pathogenic according to the recommendation of ACMG/AMP guideline.

NM_000138.5(FBN1):c.5013_5031del (p.Cys1672fs)

Gene: FBN1 (fibrillin 1; minus strand). Cytogenetic location: 15q21.1.
Variant type: Deletion.
Coding change: c.5013_5031del on transcript NM_000138.5 (MANE Select); coding-DNA positions 5013 to 5031, 19 bases deleted (CTGTATCTGTCCTCCAGAC).
Protein change: p.Cys1672fs; shifts the reading frame from cysteine 1672.
Molecular consequence: frameshift variant.
Genome position (GRCh38, 1-based): chr15:48,463,933-48,463,951, GTCTGGAGGACAGATACAG deleted on the plus strand (CTGTATCTGTCCTCCAGAC on the coding strand, the reverse complement: FBN1 is on the minus strand); deleting any 19 consecutive bases within chr15:48,463,933-48,463,953 gives the same sequence; the c. name uses the placement nearest the transcript's 3' end. VCF-style (leftmost placement, unchanged base first): chr15-48463932-AGTCTGGAGGACAGATACAG-A. GRCh37 (hg19) VCF-style: chr15-48756129-AGTCTGGAGGACAGATACAG-A.
Other names: c.5011_5029del19, p.Cys1672Thrfs (NM_001406716.1); short protein forms C1672fs.
Identifiers: ClinVar variation 2444123 (VCV002444123.1), dbSNP rs2505493220, ClinGen allele CA2580089542.